The following is an entry in ClinVar:

NM_001261826.3(AP3D1):c.2986-4G>A

Gene: AP3D1 (adaptor related protein complex 3 subunit delta 1; minus strand). Cytogenetic location: 19p13.3.
Variant type: single nucleotide variant.
Coding change: c.2986-4G>A on transcript NM_001261826.3 (MANE Select); 4 bases into the intron before coding-DNA position 2986, G replaced by A.
Molecular consequence: intron variant.
Genome position (GRCh38, 1-based): chr19:2,110,900, C>T on the plus strand (G>A on the coding strand, the complement: AP3D1 is on the minus strand). VCF-style: chr19-2110900-C-T. GRCh37 (hg19) VCF-style: chr19-2110899-C-T.
Other names: c.2800-4G>A (NM_003938.8); c.2950-4G>A (NM_001374799.1).
Identifiers: ClinVar variation 742096 (VCV000742096.9), dbSNP rs367890742, ClinGen allele CA9058594.

ClinVar aggregate classification (germline): Likely benign. Review status: criteria provided, single submitter (1 of 4 stars). 2 submissions from 2 submitters: Likely benign (1). 1 of the submissions does not count toward it. Last evaluated 2025-02-23.

Conditions:
AP3D1-related disorder. Also called: AP3D1-related condition.

Allele frequency attached by ClinVar (database versions not stated): gnomAD exomes 0.00001 and 0.00003; ExAC 0.00003; TOPMed 0.00006; gnomAD 0.00009 and 0.00010; ESP Exome Variant Server 0.00023.
gnomAD v4.1: 24 of 1,612,098 alleles (0.0015%); highest among the groups gnomAD compares: African/African-American, 0.031%; no homozygotes.

Submissions (2):

Labcorp Genetics (formerly Invitae), Labcorp
Classification: Likely benign. Last evaluated: 2025-02-23. Review status: criteria provided, single submitter. Criteria: Invitae Variant Classification Sherloc (09022015). Collection method: clinical testing. Allele origin: germline.

PreventionGenetics, part of Exact Sciences
Classification: Likely benign for AP3D1-related condition. Last evaluated: 2019-05-21. Review status: no assertion criteria provided. Collection method: clinical testing. Allele origin: germline. Not counted in ClinVar's aggregate classification.
Comment: This variant is classified as likely benign based on ACMG/AMP sequence variant interpretation guidelines (Richards et al. 2015 PMID: 25741868, with internal and published modifications).